The following is an entry in ClinVar:

NM_000051.4(ATM):c.6453-3T>C

Genes: C11orf65 (chromosome 11 open reading frame 65; minus strand), ATM (ATM serine/threonine kinase; plus strand). Cytogenetic location: 11q22.3.
Variant type: single nucleotide variant.
Coding change: c.6453-3T>C on transcript NM_000051.4 (MANE Select); 3 bases into the intron before coding-DNA position 6453, T replaced by C.
Molecular consequence: intron variant.
Genome position (GRCh38, 1-based): chr11:108,321,298, T>C. VCF-style: chr11-108321298-T-C. GRCh37 (hg19) VCF-style: chr11-108192025-T-C.
Other names: c.6453-3T>C (NM_001351834.2); c.641-12227A>G (NM_001330368.2); c.*39-12227A>G (NM_001351110.2).
Identifiers: ClinVar variation 384919 (VCV000384919.12), dbSNP rs768073845, ClinGen allele CA6265952.

ClinVar aggregate classification (germline): Conflicting classifications of pathogenicity. Review status: criteria provided, conflicting classifications (1 of 4 stars). 4 submissions from 4 submitters: Uncertain significance (2); Likely benign (2). Last evaluated 2025-03-15.

Conditions:
Hereditary cancer-predisposing syndrome. Also called: Neoplastic Syndromes, Hereditary; Hereditary Cancer Syndrome; Tumor predisposition; Hereditary neoplastic syndrome. Identifiers: Orphanet 140162, MedGen C0027672, MeSH D009386, MONDO:0015356.
Ataxia-telangiectasia syndrome (AT). Also called: LOUIS-BAR SYNDROME; Cerebello-oculocutaneous telangiectasia; Immunodeficiency with ataxia telangiectasia; Ataxia-telangiectasia, complementation group D; AT, COMPLEMENTATION GROUP C; Ataxia-telangiectasia, complementation group E. Identifiers: Orphanet 100, MedGen C0004135, MONDO:0008840, OMIM 208900.
Familial cancer of breast. Also called: Hereditary breast cancer; BREAST CANCER, FAMILIAL; hereditary breast carcinoma. Identifiers: Orphanet 227535, MedGen C0346153, MONDO:0016419, OMIM 114480. Disease mechanism: loss of function.

Allele frequency attached by ClinVar (database versions not stated): gnomAD exomes below 0.00001; ExAC 0.00001.
gnomAD v4.1: 1 of 1,614,060 alleles (0.000062%); highest among the groups gnomAD compares: East Asian, 0.0022%; no homozygotes.

Submissions (4):

Labcorp Genetics (formerly Invitae), Labcorp
Classification: Uncertain significance for Ataxia-telangiectasia syndrome. Last evaluated: 2025-03-15. Review status: criteria provided, single submitter. Criteria: Invitae Variant Classification Sherloc (09022015). Collection method: clinical testing. Allele origin: germline.
Comment: This sequence change falls in intron 44 of the ATM gene. It does not directly change the encoded amino acid sequence of the ATM protein. It affects a nucleotide within the consensus splice site. This variant is present in population databases (rs768073845, gnomAD 0.006%). This variant has not been reported in the literature in individuals affected with ATM-related conditions. ClinVar contains an entry for this variant (Variation ID: 384919). Variants that disrupt the consensus splice site are a relatively common cause of aberrant splicing (PMID: 17576681, 9536098). Studies have shown that this variant is associated with inconclusive levels of altered splicing (internal data). In summary, the available evidence is currently insufficient to determine the role of this variant in disease. Therefore, it has been classified as a Variant of Uncertain Significance.

Ambry Genetics
Classification: Uncertain significance for Hereditary cancer-predisposing syndrome. Last evaluated: 2024-12-13. Review status: criteria provided, single submitter. Criteria: Ambry Variant Classification Scheme 2023. Collection method: clinical testing. Allele origin: germline.
Comment: The c.6453-3T>C intronic variant results from a T to C substitution 3 nucleotides upstream from coding exon 44 in the ATM gene. This nucleotide position is well conserved in available vertebrate species. In silico splice site analysis for this alteration is inconclusive and direct evidence is insufficient at this time (Ambry internal data). Based on the available evidence, the clinical significance of this variant remains unclear.

Myriad Genetics, Inc.
Classification: Likely benign for Familial cancer of breast. Last evaluated: 2024-06-06. Review status: criteria provided, single submitter. Criteria: Myriad Autosomal Dominant, Autosomal Recessive and X-Linked Classification Criteria (2023). Collection method: clinical testing. Allele origin: unknown.
Comment: This variant is considered likely benign. This variant is intronic and is not expected to impact mRNA splicing.

GeneDx
Classification: Likely benign. Last evaluated: 2016-03-16. Review status: criteria provided, single submitter. Criteria: GeneDx Variant Classification (06012015). Collection method: clinical testing. Allele origin: germline. Affected: yes.
Comment: This variant is considered likely benign or benign based on one or more of the following criteria: it is a conservative change, it occurs at a poorly conserved position in the protein, it is predicted to be benign by multiple in silico algorithms, and/or has population frequency not consistent with disease.

Literature cited by the submitters: PubMed 17576681 (cited by Labcorp Genetics (formerly Invitae), Labcorp); PubMed 9536098 (cited by Labcorp Genetics (formerly Invitae), Labcorp).